The following is an entry in ClinVar:

ClinVar aggregate classification (germline): Likely benign. Review status: criteria provided, multiple submitters, no conflicts (2 of 4 stars). 2 submissions from 2 submitters: Likely benign (2). Last evaluated 2025-08-29.

Conditions:
Cenani-Lenz syndactyly syndrome. Also called: SYNDACTYLY, TYPE VII; CENANI SYNDACTYLISM. Identifiers: Orphanet 3258, MedGen C1859309, MONDO:0008931, OMIM 212780.
Sclerosteosis 2 (SOST2). Identifiers: Orphanet 3152, MedGen C3280402, MONDO:0013679, OMIM 614305.
Congenital myasthenic syndrome 17. Identifiers: Orphanet 590, MedGen C4225377, MONDO:0014578, OMIM 616304.

Allele frequency attached by ClinVar (database versions not stated): ExAC 0.00003; gnomAD 0.00005 and 0.00006; gnomAD exomes 0.00006 and 0.00011; TOPMed 0.00006.
gnomAD v4.1: 164 of 1,614,056 alleles (0.01%); highest among the groups gnomAD compares: East Asian, 0.033%; no homozygotes.

Submissions (2):

Labcorp Genetics (formerly Invitae), Labcorp
Classification: Likely benign for Cenani-Lenz syndactyly syndrome; Sclerosteosis 2; Congenital myasthenic syndrome 17. Last evaluated: 2025-08-29. Review status: criteria provided, single submitter. Criteria: Invitae Variant Classification Sherloc (09022015). Collection method: clinical testing. Allele origin: germline.

Mayo Clinic Laboratories, Mayo Clinic
Classification: Likely benign. Last evaluated: 2025-02-10. Review status: criteria provided, single submitter. Criteria: ACMG Guidelines, 2015. Collection method: clinical testing. Allele origin: germline. Observed: 1 variant allele.
Comment: BP4, BP7

NM_002334.4(LRP4):c.3756G>A (p.Val1252=)

Gene: LRP4 (LDL receptor related protein 4; minus strand). Cytogenetic location: 11p11.2.
Variant type: single nucleotide variant.
Coding change: c.3756G>A on transcript NM_002334.4 (MANE Select); coding-DNA position 3756, G replaced by A.
Protein change: p.Val1252=; no amino-acid change (valine 1252 retained).
Molecular consequence: synonymous variant.
Genome position (GRCh38, 1-based): chr11:46,875,625, C>T on the plus strand (G>A on the coding strand, the complement: LRP4 is on the minus strand). VCF-style: chr11-46875625-C-T. GRCh37 (hg19) VCF-style: chr11-46897176-C-T.
Other names: p.Val1252=.
Identifiers: ClinVar variation 467787 (VCV000467787.12), dbSNP rs75923112, ClinGen allele CA5969489.
Genomic context (GRCh38, chr11:46,875,625, plus strand): 5'-AGTCTGCCAGTCAGTCCAGTAGATATAGGAGTCGAGCAGGGTGAGGCCATATGGGTGCTG[C>T]ACCGGTGACACCAATGTATGCCGATTGGCACCATTCAGGTCAGCAGCCTCAATTCGCTGC-3'
Protein context (NP_002325.2, residues 1242-1262): GANRHTLVSP[Val1252=]QHPYGLTLLD